The following is an entry in ClinVar:

NM_000264.5(PTCH1):c.3046C>T (p.Leu1016Phe)

Gene: PTCH1 (patched 1; minus strand). Cytogenetic location: 9q22.32.
Variant type: single nucleotide variant.
Coding change: c.3046C>T on transcript NM_000264.5 (MANE Select); coding-DNA position 3046, C replaced by T.
Protein change: p.Leu1016Phe; replaces leucine 1016 with phenylalanine.
Molecular consequence: missense variant. On other transcripts: non-coding transcript variant (1).
Genome position (GRCh38, 1-based): chr9:95,458,135, G>A on the plus strand (C>T on the coding strand, the complement: PTCH1 is on the minus strand). VCF-style: chr9-95458135-G-A. GRCh37 (hg19) VCF-style: chr9-98220417-G-A.
Other names: c.2848C>T, p.Leu950Phe (NM_001083602.3); c.3043C>T, p.Leu1015Phe (NM_001083603.3); c.2593C>T, p.Leu865Phe (NM_001083604.3, NM_001083605.3, NM_001083606.3 and 1 more transcripts); c.2890C>T, p.Leu964Phe (NM_001354918.2); short protein forms L950F, L1016F, L1015F, L964F, L865F.
Identifiers: ClinVar variation 581982 (VCV000581982.12), dbSNP rs374575067, ClinGen allele CA5138262.
Genomic context (GRCh38, chr9:95,458,135, plus strand): 5'-ACACCACGCTGATGAACAGCAGCAGCCAGTGGCGGAGGCCGATGTACTGCTCCCAGAAGA[G>A]GAAGGGGTAGCCGTTGGGGTAACTGGACAGCCCCAGGCTCGTATAGTTGCTGCAGATGGT-3'
Protein context (NP_000255.2, residues 1006-1026): LSSYPNGYPF[Leu1016Phe]FWEQYIGLRH

ClinVar aggregate classification (germline): Conflicting classifications of pathogenicity. Review status: criteria provided, conflicting classifications (1 of 4 stars). 2 submissions from 2 submitters: Uncertain significance (1); Benign (1). Last evaluated 2023-07-07.

Conditions:
Gorlin syndrome. Also called: Basal cell nevus syndrome; Nevoid Basal Cell Carcinoma Syndrome. Identifiers: Orphanet 377, MedGen C0004779, MONDO:0007187.
Hereditary cancer-predisposing syndrome. Also called: Neoplastic Syndromes, Hereditary; Hereditary Cancer Syndrome; Tumor predisposition; Hereditary neoplastic syndrome. Identifiers: Orphanet 140162, MedGen C0027672, MeSH D009386, MONDO:0015356.

Allele frequency attached by ClinVar (database versions not stated): gnomAD exomes below 0.00001; ExAC 0.00001; ESP Exome Variant Server 0.00008.

Submissions (2):

Labcorp Genetics (formerly Invitae), Labcorp
Classification: Benign for Gorlin syndrome. Last evaluated: 2023-07-07. Review status: criteria provided, single submitter. Criteria: Invitae Variant Classification Sherloc (09022015). Collection method: clinical testing. Allele origin: germline.

Ambry Genetics
Classification: Uncertain significance for Hereditary cancer-predisposing syndrome. Last evaluated: 2023-05-05. Review status: criteria provided, single submitter. Criteria: Ambry Variant Classification Scheme 2023. Collection method: clinical testing. Allele origin: germline.
Comment: The p.L1016F variant (also known as c.3046C>T), located in coding exon 18 of the PTCH1 gene, results from a C to T substitution at nucleotide position 3046. The leucine at codon 1016 is replaced by phenylalanine, an amino acid with highly similar properties. This amino acid position is highly conserved in available vertebrate species. In addition, the in silico prediction for this alteration is inconclusive. Since supporting evidence is limited at this time, the clinical significance of this alteration remains unclear.